The following is an entry in ClinVar:

ClinVar aggregate classification (germline): Pathogenic. Review status: criteria provided, multiple submitters, no conflicts (2 of 4 stars). 2 submissions from 2 submitters: Pathogenic (2). Last evaluated 2023-10-05.

Conditions:
Deep venous thrombosis. Also called: Deep vein thrombosis. Identifiers: MedGen C0149871, MeSH D020246, HP:0002625.

Allele frequency attached by ClinVar (database versions not stated): gnomAD exomes below 0.00001.

Submissions (2):

Mayo Clinic Laboratories, Mayo Clinic
Classification: Pathogenic. Last evaluated: 2023-10-05. Review status: criteria provided, single submitter. Criteria: ACMG Guidelines, 2015. Collection method: clinical testing. Allele origin: germline. Observed: 1 variant allele.
Comment: PM2_moderate, PS4_supporting, PVS1

NIHR Bioresource Rare Diseases, University of Cambridge
Classification: Pathogenic for Deep venous thrombosis. Last evaluated: 2019-02-01. Review status: criteria provided, single submitter. Criteria: ACMG Guidelines, 2015. Collection method: research. Allele origin: unknown. Affected: yes. Observed: 1 heterozygote. Study: ThromboGenomics.

Literature cited by the submitters: PubMed 30975910 (cited by Mayo Clinic Laboratories, Mayo Clinic); PubMed 31064749 (cited by Mayo Clinic Laboratories, Mayo Clinic and NIHR Bioresource Rare Diseases, University of Cambridge); PubMed 36624481 (cited by Mayo Clinic Laboratories, Mayo Clinic).

NM_000488.4(SERPINC1):c.159C>A (p.Cys53Ter)

Gene: SERPINC1 (serpin family C member 1; minus strand). Cytogenetic location: 1q25.1.
Variant type: single nucleotide variant.
Coding change: c.159C>A on transcript NM_000488.4 (MANE Select); coding-DNA position 159, C replaced by A.
Protein change: p.Cys53Ter; replaces cysteine 53 with a stop codon.
Molecular consequence: nonsense.
Genome position (GRCh38, 1-based): chr1:173,914,802, G>T on the plus strand (C>A on the coding strand, the complement: SERPINC1 is on the minus strand). VCF-style: chr1-173914802-G-T. GRCh37 (hg19) VCF-style: chr1-173883940-G-T.
Other names: p.Cys53*; c.15C>A, p.Cys5Ter (NM_001365052.2); c.159C>A, p.Cys53Ter (NM_001386302.1, NM_001386304.1, NM_001386305.1 and 1 more transcripts); c.240C>A, p.Cys80Ter (NM_001386303.1); short protein forms C53*, C5*, C80*.
Identifiers: ClinVar variation 627247 (VCV000627247.3), dbSNP rs1572092099, ClinGen allele CA343778180.